The following is an entry in ClinVar:

ClinVar aggregate classification (germline): Uncertain significance (1 of 4 stars; one submission).

Conditions:
FG syndrome (FGS). Identifiers: MedGen C0220769, MONDO:0002010.

Submission:

Labcorp Genetics (formerly Invitae), Labcorp
Classification: Uncertain significance for FG syndrome. Last evaluated: 2023-11-25. Review status: criteria provided, single submitter. Criteria: Invitae Variant Classification Sherloc (09022015). Collection method: clinical testing. Allele origin: germline.
Comment: This sequence change replaces serine, which is neutral and polar, with asparagine, which is neutral and polar, at codon 314 of the MED12 protein (p.Ser314Asn). This variant is not present in population databases (gnomAD no frequency). This variant has not been reported in the literature in individuals affected with MED12-related conditions. Advanced modeling of protein sequence and biophysical properties (such as structural, functional, and spatial information, amino acid conservation, physicochemical variation, residue mobility, and thermodynamic stability) performed at Invitae indicates that this missense variant is not expected to disrupt MED12 protein function with a negative predictive value of 95%. In summary, the available evidence is currently insufficient to determine the role of this variant in disease. Therefore, it has been classified as a Variant of Uncertain Significance.

NM_005120.3(MED12):c.941G>A (p.Ser314Asn)

Gene: MED12 (mediator complex subunit 12; plus strand). Cytogenetic location: Xq13.1.
Variant type: single nucleotide variant.
Coding change: c.941G>A on transcript NM_005120.3 (MANE Select); coding-DNA position 941, G replaced by A.
Protein change: p.Ser314Asn; replaces serine 314 with asparagine.
Molecular consequence: missense variant.
Genome position (GRCh38, 1-based): chrX:71,121,656, G>A. VCF-style: chrX-71121656-G-A. GRCh37 (hg19) VCF-style: chrX-70341506-G-A.
Other names: short protein forms S314N.
Identifiers: ClinVar variation 2753531 (VCV002753531.3), dbSNP rs2519668180, ClinGen allele CA413504699.
Genomic context (GRCh38, chrX:71,121,656, plus strand): 5'-CCCGCCGGCTTGCCTACTTCTGTACACGGAGACTGGCCCTGCAGCTGGATGGTGTGAGCA[G>A]TCACTCATCTCATGTTATATCTGCTCAGTCAACAAGCACGCTACCCACCACCCCTGCTCC-3'
Protein context (NP_005111.2, residues 304-324): RLALQLDGVS[Ser314Asn]HSSHVISAQS